The following is an entry in ClinVar:

ClinVar aggregate classification (germline): Uncertain significance (1 of 4 stars; one submission).

Conditions:
Inborn genetic diseases. Identifiers: MedGen C0950123, MeSH D030342.

Submission:

Ambry Genetics
Classification: Uncertain significance for Inborn genetic diseases. Last evaluated: 2025-09-28. Review status: criteria provided, single submitter. Criteria: Ambry Variant Classification Scheme 2023. Collection method: clinical testing. Allele origin: germline.
Comment: The p.G1137C variant (also known as c.3409G>T) is located in coding exon 35 of the FANCA gene. The glycine at codon 1137 is replaced by cysteine, an amino acid with highly dissimilar properties. This change occurs in the first base pair of coding exon 35. This amino acid position is conserved. In addition, this alteration is predicted to be deleterious by in silico analysis. Based on the available evidence, the clinical significance of this variant remains unclear.

NM_000135.4(FANCA):c.3409G>T (p.Gly1137Cys)

Gene: FANCA (FA complementation group A; minus strand). Cytogenetic location: 16q24.3.
Variant type: single nucleotide variant.
Coding change: c.3409G>T on transcript NM_000135.4 (MANE Select); coding-DNA position 3409, G replaced by T.
Protein change: p.Gly1137Cys; replaces glycine 1137 with cysteine.
Molecular consequence: missense variant.
Genome position (GRCh38, 1-based): chr16:89,746,688, C>A on the plus strand (G>T on the coding strand, the complement: FANCA is on the minus strand). VCF-style: chr16-89746688-C-A. GRCh37 (hg19) VCF-style: chr16-89813096-C-A.
Other names: c.3409G>T, p.Gly1137Cys (NM_001286167.3); short protein forms G1137C.
Identifiers: ClinVar variation 4619177 (VCV004619177.1).